The following is an entry in ClinVar:

NM_001429.4(EP300):c.5934G>A (p.Gly1978=)

Gene: EP300 (EP300 lysine acetyltransferase; plus strand). Cytogenetic location: 22q13.2.
Variant type: single nucleotide variant.
Coding change: c.5934G>A on transcript NM_001429.4 (MANE Select); coding-DNA position 5934, G replaced by A.
Protein change: p.Gly1978=; no amino-acid change (glycine 1978 retained).
Molecular consequence: synonymous variant.
Genome position (GRCh38, 1-based): chr22:41,177,645, G>A. VCF-style: chr22-41177645-G-A. GRCh37 (hg19) VCF-style: chr22-41573649-G-A.
Other names: c.5856G>A, p.Gly1952= (NM_001362843.2); c.5934G>A (NM_001429.3).
Identifiers: ClinVar variation 1969200 (VCV001969200.7), dbSNP rs762125885, ClinGen allele CA10253741.
Genomic context (GRCh38, chr22:41,177,645, plus strand): 5'-GATGACTCCCATGGCCCCCATGGGTATGAACCCACCTCCCATGACCAGAGGTCCCAGTGG[G>A]CATTTGGAGCCAGGGATGGGACCGACAGGGATGCAGCAACAGCCACCCTGGAGCCAAGGA-3'
Protein context (NP_001420.2, residues 1968-1988): NPPPMTRGPS[Gly1978=]HLEPGMGPTG

ClinVar aggregate classification (germline): Likely benign. Review status: criteria provided, single submitter (1 of 4 stars). 2 submissions from 2 submitters: Likely benign (1). 1 of the submissions does not count toward it. Last evaluated 2023-08-17.

Conditions:
EP300-related disorder. Also called: EP300-related condition; EP300-related disorders.
Rubinstein-Taybi syndrome due to EP300 haploinsufficiency. Also called: EP300-Related Rubinstein-Taybi Syndrome; RUBINSTEIN-TAYBI SYNDROME 2. Identifiers: Orphanet 353284, Orphanet 783, MedGen C3150941, MONDO:0013364, OMIM 613684.

Allele frequency attached by ClinVar (database versions not stated): ExAC 0.00002; gnomAD exomes 0.00003; TOPMed 0.00003.
gnomAD v4.1: 48 of 1,613,928 alleles (0.003%); highest among the groups gnomAD compares: South Asian, 0.0077%; no homozygotes.

Submissions (2):

Labcorp Genetics (formerly Invitae), Labcorp
Classification: Likely benign for Rubinstein-Taybi syndrome due to EP300 haploinsufficiency. Last evaluated: 2023-08-17. Review status: criteria provided, single submitter. Criteria: Invitae Variant Classification Sherloc (09022015). Collection method: clinical testing. Allele origin: germline.

PreventionGenetics, part of Exact Sciences
Classification: Likely benign for EP300-related condition. Last evaluated: 2022-01-12. Review status: no assertion criteria provided. Collection method: clinical testing. Allele origin: germline. Not counted in ClinVar's aggregate classification.
Comment: This variant is classified as likely benign based on ACMG/AMP sequence variant interpretation guidelines (Richards et al. 2015 PMID: 25741868, with internal and published modifications).